The following is an entry in ClinVar:

ClinVar aggregate classification (germline): Uncertain significance (1 of 4 stars; one submission).

Allele frequency attached by ClinVar (database versions not stated): gnomAD 0.00003; ExAC 0.00015; 1000 Genomes Project 30x 0.00016; 1000 Genomes Project 0.00020.
gnomAD v4.1: 22 of 1,540,070 alleles (0.0014%); highest among the groups gnomAD compares: East Asian, 0.048%; no homozygotes.

Submission:

Labcorp Genetics (formerly Invitae), Labcorp
Classification: Uncertain significance. Last evaluated: 2023-07-06. Review status: criteria provided, single submitter. Criteria: Invitae Variant Classification Sherloc (09022015). Collection method: clinical testing. Allele origin: germline.
Comment: This variant has not been reported in the literature in individuals affected with VAV1-related conditions. This sequence change falls in intron 5 of the VAV1 gene. It does not directly change the encoded amino acid sequence of the VAV1 protein. It affects a nucleotide within the consensus splice site. The frequency data for this variant in the population databases is considered unreliable, as metrics indicate poor data quality at this position in the gnomAD database. ClinVar contains an entry for this variant (Variation ID: 1899943). Variants that disrupt the consensus splice site are a relatively common cause of aberrant splicing (PMID: 17576681, 9536098). Algorithms developed to predict the effect of sequence changes on RNA splicing suggest that this variant is not likely to affect RNA splicing. In summary, the available evidence is currently insufficient to determine the role of this variant in disease. Therefore, it has been classified as a Variant of Uncertain Significance.

Literature cited by the submitters: PubMed 17576681; PubMed 9536098.

NM_005428.4(VAV1):c.558+5G>A

Gene: VAV1 (vav guanine nucleotide exchange factor 1; plus strand). Cytogenetic location: 19p13.3.
Variant type: single nucleotide variant.
Coding change: c.558+5G>A on transcript NM_005428.4 (MANE Select); 5 bases into the intron after coding-DNA position 558, G replaced by A.
Molecular consequence: intron variant.
Genome position (GRCh38, 1-based): chr19:6,822,334, G>A. VCF-style: chr19-6822334-G-A. GRCh37 (hg19) VCF-style: chr19-6822345-G-A.
Other names: c.558+5G>A (NM_001258206.2, NM_001258207.2).
Identifiers: ClinVar variation 1899943 (VCV001899943.5), dbSNP rs529141095, ClinGen allele CA9132262.
Genomic context (GRCh38, chr19:6,822,334, plus strand): 5'-CGGAAGGCGACGAGATCTATGAGGACCTCATGCGCTCGGAGCCCGTGTCCATGCCGGTGC[G>A]TGACGTGGAGGGTCGGGCCTGGGGAGGGCGTGGGCGGGGGGCAGCCCCAGGCCCCCCAAC-3'